The following is an entry in ClinVar:

ClinVar aggregate classification (germline): Conflicting classifications of pathogenicity. Review status: criteria provided, conflicting classifications (1 of 4 stars). 2 submissions from 2 submitters: Uncertain significance (1); Likely benign (1). Last evaluated 2024-08-24.

Conditions:
Hereditary cancer-predisposing syndrome. Also called: Tumor predisposition; Neoplastic Syndromes, Hereditary; Hereditary Cancer Syndrome; Hereditary neoplastic syndrome. Identifiers: Orphanet 140162, MedGen C0027672, MeSH D009386, MONDO:0015356.
Hereditary diffuse gastric adenocarcinoma (HDGC). Also called: DIFFUSE GASTRIC AND LOBULAR BREAST CANCER SYNDROME. Identifiers: Orphanet 26106, MedGen C1708349, MONDO:0007648, OMIM 137215.

Submissions (2):

Labcorp Genetics (formerly Invitae), Labcorp
Classification: Uncertain significance for Hereditary diffuse gastric adenocarcinoma. Last evaluated: 2024-08-24. Review status: criteria provided, single submitter. Criteria: Invitae Variant Classification Sherloc (09022015). Collection method: clinical testing. Allele origin: germline.
Comment: This sequence change affects codon 545 of the CDH1 mRNA. It is a 'silent' change, meaning that it does not change the encoded amino acid sequence of the CDH1 protein. This variant is not present in population databases (gnomAD no frequency). This variant has not been reported in the literature in individuals affected with CDH1-related conditions. ClinVar contains an entry for this variant (Variation ID: 1776874). Algorithms developed to predict the effect of sequence changes on RNA splicing suggest that this variant may create or strengthen a splice site. In summary, the available evidence is currently insufficient to determine the role of this variant in disease. Therefore, it has been classified as a Variant of Uncertain Significance.

Ambry Genetics
Classification: Likely benign for Hereditary cancer-predisposing syndrome. Last evaluated: 2021-10-06. Review status: criteria provided, single submitter. Criteria: Ambry Variant Classification Scheme 2023. Collection method: clinical testing. Allele origin: germline.

NM_004360.5(CDH1):c.1633C>A (p.Arg545=)

Gene: CDH1 (cadherin 1; plus strand). Cytogenetic location: 16q22.1.
Variant type: single nucleotide variant.
Coding change: c.1633C>A on transcript NM_004360.5 (MANE Select); coding-DNA position 1633, C replaced by A.
Protein change: p.Arg545=; no amino-acid change (arginine 545 retained).
Molecular consequence: synonymous variant. On other transcripts: intron variant (1).
Genome position (GRCh38, 1-based): chr16:68,819,347, C>A. VCF-style: chr16-68819347-C-A. GRCh37 (hg19) VCF-style: chr16-68853250-C-A.
Other names: c.1450C>A, p.Arg484= (NM_001317184.2); c.85C>A, p.Arg29= (NM_001317185.2); c.-254-2654C>A (NM_001317186.2).
Identifiers: ClinVar variation 1776874 (VCV001776874.4), dbSNP rs863224727, ClinGen allele CA496154376.